The following is an entry in ClinVar:

NM_001004334.4(GPR179):c.4409C>T (p.Ala1470Val)

Gene: GPR179 (G protein-coupled receptor 179; minus strand). Cytogenetic location: 17q12.
Variant type: single nucleotide variant.
Coding change: c.4409C>T on transcript NM_001004334.4 (MANE Select); coding-DNA position 4409, C replaced by T.
Protein change: p.Ala1470Val; replaces alanine 1470 with valine.
Molecular consequence: missense variant.
Genome position (GRCh38, 1-based): chr17:38,329,160, G>A on the plus strand (C>T on the coding strand, the complement: GPR179 is on the minus strand). VCF-style: chr17-38329160-G-A. GRCh37 (hg19) VCF-style: chr17-36485043-G-A.
Other names: short protein forms A1470V.
Identifiers: ClinVar variation 1973814 (VCV001973814.5), dbSNP rs766787200, ClinGen allele CA290104187.

ClinVar aggregate classification (germline): Uncertain significance (1 of 4 stars; one submission).

Allele frequency attached by ClinVar (database versions not stated): gnomAD 0.00001; gnomAD exomes 0.00001; ExAC 0.00002.
gnomAD v4.1: 11 of 1,613,822 alleles (0.00068%); highest among the groups gnomAD compares: Non-Finnish European, 0.00051%; no homozygotes.

Submission:

Labcorp Genetics (formerly Invitae), Labcorp
Classification: Uncertain significance. Last evaluated: 2024-01-17. Review status: criteria provided, single submitter. Criteria: Invitae Variant Classification Sherloc (09022015). Collection method: clinical testing. Allele origin: germline.
Comment: This sequence change replaces alanine, which is neutral and non-polar, with valine, which is neutral and non-polar, at codon 1470 of the GPR179 protein (p.Ala1470Val). This variant is present in population databases (rs766787200, gnomAD 0.002%). This variant has not been reported in the literature in individuals affected with GPR179-related conditions. ClinVar contains an entry for this variant (Variation ID: 1973814). Algorithms developed to predict the effect of missense changes on protein structure and function output the following: SIFT: "Not Available"; PolyPhen-2: "Benign"; Align-GVGD: "Not Available". The valine amino acid residue is found in multiple mammalian species, which suggests that this missense change does not adversely affect protein function. In summary, the available evidence is currently insufficient to determine the role of this variant in disease. Therefore, it has been classified as a Variant of Uncertain Significance.